The following is an entry in ClinVar:

NM_001080517.3(SETD5):c.2158G>T (p.Glu720Ter)

Gene: SETD5 (SET domain containing 5; plus strand). Cytogenetic location: 3p25.3.
Variant type: single nucleotide variant.
Coding change: c.2158G>T on transcript NM_001080517.3 (MANE Select); coding-DNA position 2158, G replaced by T.
Protein change: p.Glu720Ter; replaces glutamic acid 720 with a stop codon.
Molecular consequence: nonsense.
Genome position (GRCh38, 1-based): chr3:9,448,442, G>T. VCF-style: chr3-9448442-G-T. GRCh37 (hg19) VCF-style: chr3-9490126-G-T.
Other names: c.1864G>T, p.Glu622Ter (NM_001292043.2, NM_001349451.2); short protein forms E622*, E720*.
Identifiers: ClinVar variation 3349040 (VCV003349040.2).

ClinVar aggregate classification (germline): Likely pathogenic. Review status: criteria provided, single submitter (1 of 4 stars). 2 submissions from 2 submitters: Likely pathogenic (1). 1 of the submissions does not count toward it. Last evaluated 2024-10-25.

Conditions:
SETD5-related disorder. Also called: SETD5-related disorders; SETD5-related condition.
Intellectual disability-facial dysmorphism syndrome due to SETD5 haploinsufficiency (MRD23). Also called: Intellectual developmental disorder, autosomal dominant 23. Identifiers: Orphanet 404440, MedGen C3810406, MONDO:0014336, OMIM 615761.

Submissions (2):

Laboratorio de Genetica e Diagnostico Molecular, Hospital Israelita Albert Einstein
Classification: Likely pathogenic for Intellectual disability-facial dysmorphism syndrome due to SETD5 haploinsufficiency. Last evaluated: 2024-10-25. Review status: criteria provided, single submitter. Criteria: ACMG Guidelines, 2015. Collection method: clinical testing. Allele origin: germline. Affected: yes.
Comment: ACMG classification criteria: PVS1 very strong, PM2 supporting

PreventionGenetics, part of Exact Sciences
Classification: Likely pathogenic for SETD5-related condition. Last evaluated: 2024-08-23. Review status: no assertion criteria provided. Collection method: clinical testing. Allele origin: germline. Not counted in ClinVar's aggregate classification.
Comment: The SETD5 c.2158G>T variant is predicted to result in premature protein termination (p.Glu720*). This variant was reported in an individual with developmental delay, seizures, delayed speech & dysmorphic features (Supplementary Table 2 in Halvardson et al 2016. PubMed ID: 27334371). This variant has not been reported in a large population database, indicating this variant is rare. Nonsense variants in SETD5 are expected to be pathogenic. This variant is interpreted as likely pathogenic.